The following is an entry in ClinVar:

ClinVar aggregate classification (germline): Pathogenic (1 of 4 stars; one submission).

Conditions:
Duchenne muscular dystrophy (DMD). Also called: MUSCULAR DYSTROPHY, PSEUDOHYPERTROPHIC PROGRESSIVE, DUCHENNE TYPE; Duchenne Muscular Dystrophy (DMD). Identifiers: Orphanet 98896, MedGen C0013264, MONDO:0010679, OMIM 310200.

Submission:

Labcorp Genetics (formerly Invitae), Labcorp
Classification: Pathogenic for Duchenne muscular dystrophy. Last evaluated: 2022-07-11. Review status: criteria provided, single submitter. Criteria: Invitae Variant Classification Sherloc (09022015). Collection method: clinical testing. Allele origin: germline.
Comment: For these reasons, this variant has been classified as Pathogenic. A similar copy number variant has been observed in individual(s) with muscular dystrophy (PMID: 23299919). In at least one individual the variant was observed to be de novo. This variant results in a copy number gain of the genomic region encompassing exon(s) 61-66 of the DMD gene. While the exact position of this variant cannot be determined from the data, sub-genic copy number gains are generally in tandem (PMID: 25640679). This variant is predicted to be out-of-frame, and may result in an absent or disrupted protein product. Loss-of-function variants in DMD are known to be pathogenic (PMID: 16770791, 25007885).

Literature cited by the submitters: PubMed 23299919; PubMed 25640679; PubMed 16770791; PubMed 25007885.

NC_000023.10:g.(?_31224679)_(31382270_?)dup

Genes: DMD (dystrophin; minus strand), LOC130068089 (ATAC-STARR-seq lymphoblastoid active region 29516; plus strand), LOC130068085 (ATAC-STARR-seq lymphoblastoid active region 29514; plus strand), LOC130068086 (ATAC-STARR-seq lymphoblastoid silent region 20729; plus strand), LOC130068087 (ATAC-STARR-seq lymphoblastoid silent region 20730; plus strand) and 4 more. Cytogenetic location: Xp21.2.
Variant type: Duplication.
Identifiers: ClinVar variation 584270 (VCV000584270.11).